The following is an entry in ClinVar:

ClinVar aggregate classification (germline): Uncertain significance (1 of 4 stars; one submission).

Conditions:
Oligodontia-cancer predisposition syndrome. Also called: TOOTH AGENESIS-COLORECTAL CANCER SYNDROME. Identifiers: Orphanet 300576, MedGen C1837750, MONDO:0012075, OMIM 608615. Disease mechanism: loss of function.

Allele frequency attached by ClinVar (database versions not stated): gnomAD exomes below 0.00001.

Submission:

Labcorp Genetics (formerly Invitae), Labcorp
Classification: Uncertain significance for Oligodontia-cancer predisposition syndrome. Last evaluated: 2021-11-14. Review status: criteria provided, single submitter. Criteria: Invitae Variant Classification Sherloc (09022015). Collection method: clinical testing. Allele origin: germline.
Comment: Algorithms developed to predict the effect of missense changes on protein structure and function are either unavailable or do not agree on the potential impact of this missense change (SIFT: "Deleterious"; PolyPhen-2: "Benign"; Align-GVGD: "Class C0"). In summary, the available evidence is currently insufficient to determine the role of this variant in disease. Therefore, it has been classified as a Variant of Uncertain Significance. This variant has not been reported in the literature in individuals affected with AXIN2-related conditions. The frequency data for this variant in the population databases is considered unreliable, as metrics indicate poor data quality at this position in the gnomAD database. This sequence change replaces alanine, which is neutral and non-polar, with threonine, which is neutral and polar, at codon 4 of the AXIN2 protein (p.Ala4Thr).

NM_004655.4(AXIN2):c.10G>A (p.Ala4Thr)

Gene: AXIN2 (axin 2; minus strand). Cytogenetic location: 17q24.1.
Variant type: single nucleotide variant.
Coding change: c.10G>A on transcript NM_004655.4 (MANE Select); coding-DNA position 10, G replaced by A.
Protein change: p.Ala4Thr; replaces alanine 4 with threonine.
Molecular consequence: missense variant.
Genome position (GRCh38, 1-based): chr17:65,558,611, C>T on the plus strand (G>A on the coding strand, the complement: AXIN2 is on the minus strand). VCF-style: chr17-65558611-C-T. GRCh37 (hg19) VCF-style: chr17-63554729-C-T.
Other names: c.10G>A, p.Ala4Thr (NM_001363813.1); short protein forms A4T.
Identifiers: ClinVar variation 1443116 (VCV001443116.4), dbSNP rs1175877868, ClinGen allele CA400682504.